The following is an entry in ClinVar:

ClinVar aggregate classification (germline): Likely benign. Review status: criteria provided, multiple submitters, no conflicts (2 of 4 stars). 3 submissions from 3 submitters: Likely benign (2). 1 of the submissions does not count toward it. Last evaluated 2025-04-28.

Conditions:
Microcephaly, normal intelligence and immunodeficiency (NBS). Also called: Microcephaly with normal intelligence immunodeficiency and lymphoreticular malignancies; Nonsyndromal microcephaly autosomal recessive with normal intelligence; Seemanova syndrome 2; Immunodeficiency, microcephaly with normal intelligence; Ataxia telangiectasia variant V1; IMMUNODEFICIENCY, MICROCEPHALY, AND CHROMOSOMAL INSTABILITY. Identifiers: Orphanet 647, MedGen C0398791, MONDO:0009623, OMIM 251260.

Submissions (3):

Women's Health and Genetics/Laboratory Corporation of America, LabCorp
Classification: Likely benign. Last evaluated: 2025-04-28. Review status: criteria provided, single submitter. Criteria: LabCorp Variant Classification Summary - May 2015. Collection method: clinical testing. Allele origin: germline.
Comment: Variant summary: NBN c.1398-4dupT alters a non-conserved nucleotide located at a position not widely known to affect splicing. Consensus agreement among computation tools predict no significant impact on normal splicing. However, these predictions have yet to be confirmed by functional studies. The frequency data for this variant in gnomAD is considered unreliable, as metrics indicate poor data quality at this position. To our knowledge, no occurrence of c.1398-4dupT in individuals affected with Nijmegen Breakage Syndrome and no experimental evidence demonstrating its impact on protein function have been reported. ClinVar contains an entry for this variant (Variation ID: 1094635). Based on the evidence outlined above, the variant was classified as likely benign.

Labcorp Genetics (formerly Invitae), Labcorp
Classification: Likely benign for Microcephaly, normal intelligence and immunodeficiency. Last evaluated: 2023-11-08. Review status: criteria provided, single submitter. Criteria: Invitae Variant Classification Sherloc (09022015). Collection method: clinical testing. Allele origin: germline.

Natera, Inc.
Classification: Uncertain significance for Nijmegen breakage syndrome. Last evaluated: 2025-01-01. Review status: no assertion criteria provided. Collection method: clinical testing. Allele origin: germline. Not counted in ClinVar's aggregate classification.

NM_002485.5(NBN):c.1398-4dup

Gene: NBN (nibrin; minus strand). Cytogenetic location: 8q21.3.
Variant type: Duplication.
Coding change: c.1398-4dup on transcript NM_002485.5 (MANE Select); 4 bases into the intron before coding-DNA position 1398, one base duplicated (T; older notation c.1398-4dupT).
Molecular consequence: intron variant.
Genome position (GRCh38, 1-based): chr8:89,953,695, A duplicated on the plus strand (T on the coding strand, the reverse complement: NBN is on the minus strand). VCF-style (leftmost placement, unchanged base first): chr8-89953694-T-TA. GRCh37 (hg19) VCF-style: chr8-90965922-T-TA.
Other names: c.1398-4dup (NM_002485.4); c.1152-4dup (NM_001024688.3); c.1398-4dupT (NM_002485.5).
Identifiers: ClinVar variation 1094635 (VCV001094635.13), dbSNP rs2129704523, ClinGen allele CA2499219420.